The following is an entry in ClinVar:

ClinVar aggregate classification (germline): Uncertain significance. Review status: criteria provided, multiple submitters, no conflicts (2 of 4 stars). 4 submissions from 4 submitters: Uncertain significance (3). 1 of the submissions does not count toward it. Last evaluated 2025-04-01.

Conditions:
Autosomal recessive polycystic kidney disease (ARPKD). Also called: AR polycystic kidney disease. Identifiers: Orphanet 731, Orphanet 8378, MedGen C0085548, MeSH D017044, MONDO:0009889.
Polycystic kidney disease 4 (PKD4). Also called: POLYCYSTIC KIDNEY DISEASE 4 WITH OR WITHOUT POLYCYSTIC LIVER DISEASE; POLYCYSTIC KIDNEY AND HEPATIC DISEASE 1; POLYCYSTIC KIDNEY DISEASE, INFANTILE, TYPE I; Autosomal Recessive Polycystic Kidney Disease – PKHD1; PKD3. Identifiers: MedGen C4540575, MONDO:0033004, OMIM 263200.
Inborn genetic diseases. Identifiers: MedGen C0950123, MeSH D030342.

Allele frequency attached by ClinVar (database versions not stated): gnomAD exomes 0.00004 and 0.00006; ExAC 0.00006; 1000 Genomes Project 30x 0.00016; 1000 Genomes Project 0.00020; gnomAD 0.00001; TOPMed 0.00003.
gnomAD v4.1: 59 of 1,612,984 alleles (0.0037%); highest among the groups gnomAD compares: Admixed American, 0.012%; no homozygotes.

Submissions (4):

Ambry Genetics
Classification: Uncertain significance for Inborn genetic diseases. Last evaluated: 2025-04-01. Review status: criteria provided, single submitter. Criteria: Ambry Variant Classification Scheme 2023. Collection method: clinical testing. Allele origin: germline.

Fulgent Genetics
Classification: Uncertain significance for Polycystic kidney disease 4. Last evaluated: 2022-04-01. Review status: criteria provided, single submitter. Criteria: ACMG Guidelines, 2015. Collection method: clinical testing. Allele origin: unknown.

Labcorp Genetics (formerly Invitae), Labcorp
Classification: Uncertain significance for Autosomal recessive polycystic kidney disease. Last evaluated: 2021-08-31. Review status: criteria provided, single submitter. Criteria: Invitae Variant Classification Sherloc (09022015). Collection method: clinical testing. Allele origin: germline.
Comment: This sequence change replaces serine with glycine at codon 2080 of the PKHD1 protein (p.Ser2080Gly). The serine residue is moderately conserved and there is a small physicochemical difference between serine and glycine. This variant is present in population databases (rs528966196, ExAC 0.02%). This variant has not been reported in the literature in individuals affected with PKHD1-related conditions. Algorithms developed to predict the effect of missense changes on protein structure and function output the following: SIFT: "Tolerated"; PolyPhen-2: "Benign"; Align-GVGD: "Class C0". The glycine amino acid residue is found in multiple mammalian species, which suggests that this missense change does not adversely affect protein function. In summary, the available evidence is currently insufficient to determine the role of this variant in disease. Therefore, it has been classified as a Variant of Uncertain Significance.

Natera, Inc.
Classification: Uncertain significance for Autosomal recessive polycystic kidney disease. Last evaluated: 2018-05-22. Review status: no assertion criteria provided. Collection method: clinical testing. Allele origin: germline. Not counted in ClinVar's aggregate classification.

NM_138694.4(PKHD1):c.6238A>G (p.Ser2080Gly)

Gene: PKHD1 (PKHD1 ciliary IPT domain containing fibrocystin/polyductin; minus strand). Cytogenetic location: 6p12.2.
Variant type: single nucleotide variant.
Coding change: c.6238A>G on transcript NM_138694.4 (MANE Select); coding-DNA position 6238, A replaced by G.
Protein change: p.Ser2080Gly; replaces serine 2080 with glycine.
Molecular consequence: missense variant.
Genome position (GRCh38, 1-based): chr6:51,912,460, T>C on the plus strand (A>G on the coding strand, the complement: PKHD1 is on the minus strand). VCF-style: chr6-51912460-T-C. GRCh37 (hg19) VCF-style: chr6-51777258-T-C.
Other names: c.6238A>G, p.Ser2080Gly (NM_170724.3); c.6238A>G (NM_138694.3); short protein forms S2080G.
Identifiers: ClinVar variation 1003425 (VCV001003425.9), dbSNP rs528966196, ClinGen allele CA3852310.